The following is an entry in ClinVar:

NM_148172.3(PEMT):c.314C>T (p.Ser105Leu)

Gene: PEMT (phosphatidylethanolamine N-methyltransferase; minus strand). Cytogenetic location: 17p11.2.
Variant type: single nucleotide variant.
Coding change: c.314C>T on transcript NM_148172.3 (MANE Select); coding-DNA position 314, C replaced by T.
Protein change: p.Ser105Leu; replaces serine 105 with leucine.
Molecular consequence: missense variant.
Genome position (GRCh38, 1-based): chr17:17,522,286, G>A on the plus strand (C>T on the coding strand, the complement: PEMT is on the minus strand). VCF-style: chr17-17522286-G-A. GRCh37 (hg19) VCF-style: chr17-17425600-G-A.
Other names: c.314C>T, p.Ser105Leu (NM_001267552.2); c.203C>T, p.Ser68Leu (NM_007169.3, NM_148173.2); c.248C>T, p.Ser83Leu (NM_001267551.2); short protein forms S105L, S68L, S83L.
Identifiers: ClinVar variation 3778169 (VCV003778169.7).
Genomic context (GRCh38, chr17:17,522,286, plus strand): 5'-GGCCCTCCCGCTAGCCCAGGGGTTGTGGCTCCCCAGTGAGAGAGCTGTGCTTACCAGTGC[G>A]AGCGCAGGAAGTTCAGGAGCAGGATGGTGACGCTTAGAGAGTAGCAGGCCAGGTAGGGGG-3'
Protein context (NP_680477.1, residues 95-115): VTILLLNFLR[Ser105Leu]HCFTQAMLSQ

ClinVar aggregate classification (germline): Uncertain significance (1 of 4 stars; one submission).

gnomAD v4.1: 14 of 1,610,016 alleles (0.00087%); highest among the groups gnomAD compares: African/African-American, 0.0027%; no homozygotes.

Submission:

CeGaT Center for Human Genetics Tuebingen
Classification: Uncertain significance. Last evaluated: 2025-03-01. Review status: criteria provided, single submitter. Criteria: CeGaT Center For Human Genetics Tuebingen Variant Classification Criteria Version 2. Collection method: clinical testing. Allele origin: germline. Affected: yes. Observed: 1 variant allele.
Comment: PEMT: PM2, BP4